The following is an entry in ClinVar:

ClinVar aggregate classification (germline): Uncertain significance. Review status: criteria provided, multiple submitters, no conflicts (2 of 4 stars). 4 submissions from 4 submitters: Uncertain significance (4). Last evaluated 2026-07-06.

Conditions:
Familial cancer of breast. Also called: Hereditary breast cancer; BREAST CANCER, FAMILIAL; hereditary breast carcinoma. Identifiers: Orphanet 227535, MedGen C0346153, MONDO:0016419, OMIM 114480. Disease mechanism: loss of function.
Hereditary cancer-predisposing syndrome. Also called: Neoplastic Syndromes, Hereditary; Tumor predisposition; Hereditary Cancer Syndrome; Hereditary neoplastic syndrome. Identifiers: Orphanet 140162, MedGen C0027672, MeSH D009386, MONDO:0015356.
Ataxia-telangiectasia syndrome (AT). Also called: LOUIS-BAR SYNDROME; Cerebello-oculocutaneous telangiectasia; Immunodeficiency with ataxia telangiectasia; Ataxia telangiectasia (A-T); Ataxia-telangiectasia, complementation group D; AT, COMPLEMENTATION GROUP C. Identifiers: Orphanet 100, MedGen C0004135, MONDO:0008840, OMIM 208900.

Allele frequency attached by ClinVar (database versions not stated): gnomAD exomes below 0.00001.
gnomAD v4.1: 1 of 1,614,068 alleles (0.000062%); highest among the groups gnomAD compares: Middle Eastern, 0.017%; no homozygotes.

Submissions (4):

KCCC/NGS Laboratory, Kuwait Cancer Control Center
Classification: Uncertain significance for Familial cancer of breast. Last evaluated: 2026-07-06. Review status: criteria provided, single submitter. Criteria: ACMG Guidelines, 2015. Collection method: clinical testing. Allele origin: germline. Inheritance: Autosomal dominant inheritance. Affected: yes.
Comment: A Variant of uncertain significance was detected in ATM gene

Ambry Genetics
Classification: Uncertain significance for Hereditary cancer-predisposing syndrome. Last evaluated: 2024-01-30. Review status: criteria provided, single submitter. Criteria: Ambry Variant Classification Scheme 2023. Collection method: clinical testing. Allele origin: germline.
Comment: The p.K902E variant (also known as c.2704A>G), located in coding exon 17 of the ATM gene, results from an A to G substitution at nucleotide position 2704. The lysine at codon 902 is replaced by glutamic acid, an amino acid with similar properties. This amino acid position is conserved. In addition, this alteration is predicted to be tolerated by in silico analysis. Based on the available evidence, the clinical significance of this alteration remains unclear.

Baylor Genetics
Classification: Uncertain significance for Familial cancer of breast. Last evaluated: 2023-10-09. Review status: criteria provided, single submitter. Criteria: ACMG Guidelines, 2015. Collection method: clinical testing. Allele origin: unknown.

Labcorp Genetics (formerly Invitae), Labcorp
Classification: Uncertain significance for Ataxia-telangiectasia syndrome. Last evaluated: 2022-01-12. Review status: criteria provided, single submitter. Criteria: Invitae Variant Classification Sherloc (09022015). Collection method: clinical testing. Allele origin: germline.
Comment: In summary, the available evidence is currently insufficient to determine the role of this variant in disease. Therefore, it has been classified as a Variant of Uncertain Significance. Advanced modeling of protein sequence and biophysical properties (such as structural, functional, and spatial information, amino acid conservation, physicochemical variation, residue mobility, and thermodynamic stability) performed at Invitae indicates that this missense variant is not expected to disrupt ATM protein function. This variant has not been reported in the literature in individuals affected with ATM-related conditions. This variant is not present in population databases (gnomAD no frequency). This sequence change replaces lysine, which is basic and polar, with glutamic acid, which is acidic and polar, at codon 902 of the ATM protein (p.Lys902Glu).

NM_000051.4(ATM):c.2704A>G (p.Lys902Glu)

Gene: ATM (ATM serine/threonine kinase; plus strand). Cytogenetic location: 11q22.3.
Variant type: single nucleotide variant.
Coding change: c.2704A>G on transcript NM_000051.4 (MANE Select); coding-DNA position 2704, A replaced by G.
Protein change: p.Lys902Glu; replaces lysine 902 with glutamic acid.
Molecular consequence: missense variant.
Genome position (GRCh38, 1-based): chr11:108,268,475, A>G. VCF-style: chr11-108268475-A-G. GRCh37 (hg19) VCF-style: chr11-108139202-A-G.
Other names: c.2704A>G, p.Lys902Glu (NM_001351834.2); c.2704A>G (NM_000051.3); short protein forms K902E.
Identifiers: ClinVar variation 1427334 (VCV001427334.11), dbSNP rs2135524412, ClinGen allele CA382545244.